The following is an entry in ClinVar:

NM_018238.4(AGK):c.851C>T (p.Ala284Val)

Gene: AGK (acylglycerol kinase; plus strand). Cytogenetic location: 7q34.
Variant type: single nucleotide variant.
Coding change: c.851C>T on transcript NM_018238.4 (MANE Select); coding-DNA position 851, C replaced by T.
Protein change: p.Ala284Val; replaces alanine 284 with valine.
Molecular consequence: missense variant.
Genome position (GRCh38, 1-based): chr7:141,641,372, C>T. VCF-style: chr7-141641372-C-T. GRCh37 (hg19) VCF-style: chr7-141341172-C-T.
Other names: p.A284V:GCG>GTG; c.851C>T, p.Ala284Val (NM_001364948.3); short protein forms A284V.
Identifiers: ClinVar variation 214069 (VCV000214069.1), dbSNP rs863223892, ClinGen allele CA322931.
Genomic context (GRCh38, chr7:141,641,372, plus strand): 5'-AACCAGAGGAGACCCCTGTACAAAGGCCTTCTTTGTACAGGAGAATATTACGAAGGCTTG[C>T]GTCCTACTGGGCACAACCACAGGATGGTGAGCAATGTGGCGACTAAAGATTGGAGGGCCC-3'
Protein context (NP_060708.1, residues 274-294): SLYRRILRRL[Ala284Val]SYWAQPQDAL

ClinVar aggregate classification (germline): Likely benign (1 of 4 stars; one submission).

Allele frequency attached by ClinVar (database versions not stated): gnomAD exomes below 0.00001.
gnomAD v4.1: 6 of 1,613,056 alleles (0.00037%); highest among the groups gnomAD compares: South Asian, 0.0022%; no homozygotes.

Submission:

GeneDx
Classification: Likely benign. Last evaluated: 2014-04-24. Review status: criteria provided, single submitter. Criteria: GeneDx Variant Classification (06012015). Collection method: clinical testing. Allele origin: germline. Affected: yes.
Comment: This variant is considered likely benign or benign based on one or more of the following criteria: it is a conservative change, it occurs at a poorly conserved position in the protein, it is predicted to be benign by multiple in silico algorithms, and/or has population frequency not consistent with disease.